The following is an entry in ClinVar:

ClinVar aggregate classification (germline): Uncertain significance. Review status: criteria provided, multiple submitters, no conflicts (2 of 4 stars). 2 submissions from 2 submitters: Uncertain significance (2). Last evaluated 2025-12-29.

Conditions:
Cone-rod dystrophy 6 (CORD6). Also called: RETINAL CONE DYSTROPHY 2; Cone dystrophy progressive. Identifiers: Orphanet 1872, MedGen C1866293, MONDO:0011143, OMIM 601777.
Leber congenital amaurosis 1 (LCA1). Also called: Congenital absence of the rods and cones; Leber's congenital tapetoretinal degeneration; Leber's congenital tapetoretinal dysplasia; RETINAL BLINDNESS, CONGENITAL; AMAUROSIS CONGENITA OF LEBER I. Identifiers: Orphanet 65, MedGen C2931258, MONDO:0008764, OMIM 204000.

Allele frequency attached by ClinVar (database versions not stated): gnomAD exomes below 0.00001; gnomAD 0.00005 and 0.00006; TOPMed 0.00005.
gnomAD v4.1: 11 of 1,579,458 alleles (0.0007%); highest among the groups gnomAD compares: African/African-American, 0.013%; no homozygotes.

Submissions (2):

Labcorp Genetics (formerly Invitae), Labcorp
Classification: Uncertain significance for Leber congenital amaurosis 1; Cone-rod dystrophy 6. Last evaluated: 2025-12-29. Review status: criteria provided, single submitter. Criteria: Invitae Variant Classification Sherloc (09022015). Collection method: clinical testing. Allele origin: germline.
Comment: This sequence change replaces alanine, which is neutral and non-polar, with threonine, which is neutral and polar, at codon 174 of the GUCY2D protein (p.Ala174Thr). The frequency data for this variant in the population databases is considered unreliable, as metrics indicate poor data quality at this position in the gnomAD database. This variant has not been reported in the literature in individuals affected with GUCY2D-related conditions. ClinVar contains an entry for this variant (Variation ID: 968892). Invitae Evidence Modeling of protein sequence and biophysical properties (such as structural, functional, and spatial information, amino acid conservation, physicochemical variation, residue mobility, and thermodynamic stability) indicates that this missense variant is not expected to disrupt GUCY2D protein function with a negative predictive value of 80%. In summary, the available evidence is currently insufficient to determine the role of this variant in disease. Therefore, it has been classified as a Variant of Uncertain Significance.

Blueprint Genetics
Classification: Uncertain significance. Last evaluated: 2022-11-14. Review status: criteria provided, single submitter. Criteria: ACMG Guidelines, 2015. Collection method: clinical testing. Allele origin: germline.

NM_000180.4(GUCY2D):c.520G>A (p.Ala174Thr)

Gene: GUCY2D (guanylate cyclase 2D, retinal; plus strand). Cytogenetic location: 17p13.1.
Variant type: single nucleotide variant.
Coding change: c.520G>A on transcript NM_000180.4 (MANE Select); coding-DNA position 520, G replaced by A.
Protein change: p.Ala174Thr; replaces alanine 174 with threonine.
Molecular consequence: missense variant.
Genome position (GRCh38, 1-based): chr17:8,003,567, G>A. VCF-style: chr17-8003567-G-A. GRCh37 (hg19) VCF-style: chr17-7906885-G-A.
Other names: short protein forms A174T.
Identifiers: ClinVar variation 968892 (VCV000968892.9), dbSNP rs978982123, ClinGen allele CA287523303.